The following is an entry in ClinVar:

ClinVar aggregate classification (germline): Conflicting classifications of pathogenicity. Review status: criteria provided, conflicting classifications (1 of 4 stars). 2 submissions from 2 submitters: Uncertain significance (1); Likely benign (1). Last evaluated 2024-04-22.

Conditions:
Hereditary cancer-predisposing syndrome. Also called: Hereditary Cancer Syndrome; Tumor predisposition; Hereditary neoplastic syndrome; Neoplastic Syndromes, Hereditary. Identifiers: Orphanet 140162, MedGen C0027672, MeSH D009386, MONDO:0015356.
Hereditary breast ovarian cancer syndrome. Also called: Hereditary breast and ovarian cancer syndrome (HBOC); Breast and ovarian cancer; Hereditary breast and ovarian cancer syndrome; Hereditary breast and/or ovarian cancer syndrome; Hereditary breast and ovarian cancer; BRCA1- and BRCA2-Associated Hereditary Breast and Ovarian Cancer. Identifiers: Orphanet 145, MedGen C0677776, MeSH D061325, MONDO:0003582. Disease mechanism: loss of function.

Submissions (2):

Labcorp Genetics (formerly Invitae), Labcorp
Classification: Uncertain significance for Hereditary breast ovarian cancer syndrome. Last evaluated: 2024-04-22. Review status: criteria provided, single submitter. Criteria: Invitae Variant Classification Sherloc (09022015). Collection method: clinical testing. Allele origin: germline.
Comment: This sequence change replaces alanine, which is neutral and non-polar, with proline, which is neutral and non-polar, at codon 338 of the BRCA2 protein (p.Ala338Pro). This variant is not present in population databases (gnomAD no frequency). This variant has not been reported in the literature in individuals affected with BRCA2-related conditions. ClinVar contains an entry for this variant (Variation ID: 1410841). Advanced modeling of protein sequence and biophysical properties (such as structural, functional, and spatial information, amino acid conservation, physicochemical variation, residue mobility, and thermodynamic stability) performed at Invitae indicates that this missense variant is not expected to disrupt BRCA2 protein function with a negative predictive value of 95%. In summary, the available evidence is currently insufficient to determine the role of this variant in disease. Therefore, it has been classified as a Variant of Uncertain Significance.

University of Washington Department of Laboratory Medicine, University of Washington
Classification: Likely benign for Hereditary cancer-predisposing syndrome. Last evaluated: 2023-03-23. Review status: criteria provided, single submitter. Criteria: Dines et al. (Genet Med. 2020). Collection method: curation. Allele origin: germline.
Comment: Missense variant in a coldspot region where missense variants are very unlikely to be pathogenic (PMID:31911673).

BRCA2 exon 10 coldspot. Reclassification based on statistical prior probability.

NM_000059.4(BRCA2):c.1012G>C (p.Ala338Pro)

Gene: BRCA2 (BRCA2 DNA repair associated; plus strand). Cytogenetic location: 13q13.1.
Variant type: single nucleotide variant.
Coding change: c.1012G>C on transcript NM_000059.4 (MANE Select); coding-DNA position 1012, G replaced by C.
Protein change: p.Ala338Pro; replaces alanine 338 with proline.
Molecular consequence: missense variant.
Genome position (GRCh38, 1-based): chr13:32,332,490, G>C. VCF-style: chr13-32332490-G-C. GRCh37 (hg19) VCF-style: chr13-32906627-G-C.
Other names: short protein forms A338P.
Identifiers: ClinVar variation 1410841 (VCV001410841.9), dbSNP rs80358396, ClinGen allele CA387761094.
Genomic context (GRCh38, chr13:32,332,490, plus strand): 5'-AAAAATCTACAAAAAGTAAGAACTAGCAAGACTAGGAAAAAAATTTTCCATGAAGCAAAC[G>C]CTGATGAATGTGAAAAATCTAAAAACCAAGTGAAAGAAAAATACTCATTTGTATCTGAAG-3'
Protein context (NP_000050.3, residues 328-348): TRKKIFHEAN[Ala338Pro]DECEKSKNQV